The following is an entry in ClinVar:

NM_001365276.2(TNXB):c.1066C>T (p.Arg356Cys)

Gene: TNXB (tenascin XB; minus strand). Cytogenetic location: 6p21.33.
Variant type: single nucleotide variant.
Coding change: c.1066C>T on transcript NM_001365276.2 (MANE Select); coding-DNA position 1066, C replaced by T.
Protein change: p.Arg356Cys; replaces arginine 356 with cysteine.
Molecular consequence: missense variant.
Genome position (GRCh38, 1-based): chr6:32,096,787, G>A on the plus strand (C>T on the coding strand, the complement: TNXB is on the minus strand). VCF-style: chr6-32096787-G-A. GRCh37 (hg19) VCF-style: chr6-32064564-G-A.
Other names: c.1066C>T, p.Arg356Cys (NM_019105.8); short protein forms R356C.
Identifiers: ClinVar variation 1781915 (VCV001781915.4), dbSNP rs746545933, ClinGen allele CA3735736.

ClinVar aggregate classification (germline): Conflicting classifications of pathogenicity. Review status: criteria provided, conflicting classifications (1 of 4 stars). 2 submissions from 2 submitters: Uncertain significance (1); Likely benign (1). Last evaluated 2026-02-27.

Conditions:
Cardiovascular phenotype. Identifiers: MedGen CN230736.

Allele frequency attached by ClinVar (database versions not stated): TOPMed 0.00002; gnomAD 0.00001; gnomAD exomes 0.00002.
gnomAD v4.1: 36 of 1,575,990 alleles (0.0023%); highest among the groups gnomAD compares: Non-Finnish European, 0.003%; no homozygotes.

Submissions (2):

Women's Health and Genetics/Laboratory Corporation of America, LabCorp
Classification: Uncertain significance. Last evaluated: 2026-02-27. Review status: criteria provided, single submitter. Criteria: LabCorp Variant Classification Summary - May 2015. Collection method: clinical testing. Allele origin: germline.
Comment: Variant summary: TNXB c.1066C>T (p.Arg356Cys) results in a non-conservative amino acid change in the encoded protein sequence. Algorithms developed to predict the effect of missense changes on protein structure and function are either unavailable or do not agree on the potential impact of this missense change. The frequency data for this variant in gnomAD is considered unreliable, as metrics indicate poor data quality at this position. To our knowledge, no occurrence of c.1066C>T in individuals affected with TNXB-related conditions and no experimental evidence demonstrating its impact on protein function have been reported. ClinVar contains an entry for this variant (Variation ID: 1781915). Based on the evidence outlined above, the variant was classified as uncertain significance.

Ambry Genetics
Classification: Likely benign for Cardiovascular phenotype. Last evaluated: 2024-09-19. Review status: criteria provided, single submitter. Criteria: Ambry Variant Classification Scheme 2023. Collection method: clinical testing. Allele origin: germline.